The following is an entry in ClinVar:

ClinVar aggregate classification (germline): Uncertain significance. Review status: criteria provided, multiple submitters, no conflicts (2 of 4 stars). 4 submissions from 4 submitters: Uncertain significance (2). 2 of the submissions do not count toward it. Last evaluated 2025-05-09.

Allele frequency attached by ClinVar (database versions not stated): gnomAD 0.00002; gnomAD exomes 0.00003 and 0.00005; TOPMed 0.00003; ExAC 0.00004.
gnomAD v4.1: 73 of 1,607,680 alleles (0.0045%); highest among the groups gnomAD compares: Non-Finnish European, 0.0061%; no homozygotes.

Submissions (4):

Labcorp Genetics (formerly Invitae), Labcorp
Classification: Uncertain significance. Last evaluated: 2025-05-09. Review status: criteria provided, single submitter. Criteria: Invitae Variant Classification Sherloc (09022015). Collection method: clinical testing. Allele origin: germline.
Comment: This sequence change falls in intron 1 of the TUBB2B gene. It does not directly change the encoded amino acid sequence of the TUBB2B protein. It affects a nucleotide within the consensus splice site. This variant is present in population databases (rs767477213, gnomAD 0.006%). This variant has not been reported in the literature in individuals affected with TUBB2B-related conditions. ClinVar contains an entry for this variant (Variation ID: 448845). Variants that disrupt the consensus splice site are a relatively common cause of aberrant splicing (PMID: 17576681, 9536098). Algorithms developed to predict the effect of sequence changes on RNA splicing suggest that this variant is not likely to affect RNA splicing. In summary, the available evidence is currently insufficient to determine the role of this variant in disease. Therefore, it has been classified as a Variant of Uncertain Significance.

Athena Diagnostics
Classification: Uncertain significance. Last evaluated: 2017-03-28. Review status: criteria provided, single submitter. Criteria: Athena Diagnostics Criteria. Collection method: clinical testing. Allele origin: germline.

Clinical Genetics DNA and cytogenetics Diagnostics Lab, Erasmus MC, Erasmus Medical Center
Classification: Likely benign. Review status: no assertion criteria provided. Collection method: clinical testing. Allele origin: germline. Affected: yes. Study: VKGL Data-share Consensus. Not counted in ClinVar's aggregate classification.

Joint Genome Diagnostic Labs from Nijmegen and Maastricht, Radboudumc and MUMC+
Classification: Likely benign. Review status: no assertion criteria provided. Collection method: clinical testing. Allele origin: germline. Affected: yes. Study: VKGL Data-share Consensus. Not counted in ClinVar's aggregate classification.

Literature cited by the submitters: PubMed 17576681 (cited by Labcorp Genetics (formerly Invitae), Labcorp); PubMed 9536098 (cited by Labcorp Genetics (formerly Invitae), Labcorp).

NM_178012.5(TUBB2B):c.57+4G>A

Gene: TUBB2B (tubulin beta 2B class IIb; minus strand). Cytogenetic location: 6p25.2.
Variant type: single nucleotide variant.
Coding change: c.57+4G>A on transcript NM_178012.5 (MANE Select); 4 bases into the intron after coding-DNA position 57, G replaced by A.
Molecular consequence: intron variant.
Genome position (GRCh38, 1-based): chr6:3,227,483, C>T on the plus strand (G>A on the coding strand, the complement: TUBB2B is on the minus strand). VCF-style: chr6-3227483-C-T. GRCh37 (hg19) VCF-style: chr6-3227717-C-T.
Identifiers: ClinVar variation 448845 (VCV000448845.8), dbSNP rs767477213, ClinGen allele CA3619281.